The following is an entry in ClinVar:

NM_000702.4(ATP1A2):c.2617A>T (p.Asn873Tyr)

Gene: ATP1A2 (ATPase Na+/K+ transporting subunit alpha 2; plus strand). Cytogenetic location: 1q23.2.
Variant type: single nucleotide variant.
Coding change: c.2617A>T on transcript NM_000702.4 (MANE Select); coding-DNA position 2617, A replaced by T.
Protein change: p.Asn873Tyr; replaces asparagine 873 with tyrosine.
Molecular consequence: missense variant.
Genome position (GRCh38, 1-based): chr1:160,136,623, A>T. VCF-style: chr1-160136623-A-T. GRCh37 (hg19) VCF-style: chr1-160106413-A-T.
Other names: short protein forms N873Y.
Identifiers: ClinVar variation 4807586 (VCV004807586.1).

ClinVar aggregate classification (germline): Uncertain significance (1 of 4 stars; one submission).

Conditions:
Familial hemiplegic migraine. Identifiers: MedGen C0338484, MONDO:0000700.

Submission:

Labcorp Genetics (formerly Invitae), Labcorp
Classification: Uncertain significance for Familial hemiplegic migraine. Last evaluated: 2026-01-24. Review status: criteria provided, single submitter. Criteria: Invitae Variant Classification Sherloc (09022015). Collection method: clinical testing. Allele origin: germline.
Comment: This sequence change replaces asparagine, which is neutral and polar, with tyrosine, which is neutral and polar, at codon 873 of the ATP1A2 protein (p.Asn873Tyr). This variant is not present in population databases (gnomAD no frequency). This variant has not been reported in the literature in individuals affected with ATP1A2-related conditions. Invitae Evidence Modeling of protein sequence and biophysical properties (such as structural, functional, and spatial information, amino acid conservation, physicochemical variation, residue mobility, and thermodynamic stability) indicates that this missense variant is not expected to disrupt ATP1A2 protein function with a negative predictive value of 80%. In summary, the available evidence is currently insufficient to determine the role of this variant in disease. Therefore, it has been classified as a Variant of Uncertain Significance.